The following is an entry in ClinVar:

NM_020919.4(ALS2):c.4640C>T (p.Thr1547Met)

Gene: ALS2 (alsin Rho guanine nucleotide exchange factor ALS2; minus strand). Cytogenetic location: 2q33.1.
Variant type: single nucleotide variant.
Coding change: c.4640C>T on transcript NM_020919.4 (MANE Select); coding-DNA position 4640, C replaced by T.
Protein change: p.Thr1547Met; replaces threonine 1547 with methionine.
Molecular consequence: missense variant.
Genome position (GRCh38, 1-based): chr2:201,705,187, G>A on the plus strand (C>T on the coding strand, the complement: ALS2 is on the minus strand). VCF-style: chr2-201705187-G-A. GRCh37 (hg19) VCF-style: chr2-202569910-G-A.
Other names: short protein forms T1547M.
Identifiers: ClinVar variation 854470 (VCV000854470.7), dbSNP rs1472406927, ClinGen allele CA350321744.

ClinVar aggregate classification (germline): Uncertain significance. Review status: criteria provided, multiple submitters, no conflicts (2 of 4 stars). 2 submissions from 2 submitters: Uncertain significance (2). Last evaluated 2025-05-30.

Conditions:
Inborn genetic diseases. Identifiers: MedGen C0950123, MeSH D030342.
Infantile-onset ascending hereditary spastic paralysis (IAHSP). Also called: Autosomal Recessive Juvenile Amyotrophic Lateral Sclerosis; Infantile-Onset Ascending Hereditary Spastic Paralysis (IAHSP). Identifiers: Orphanet 293168, MedGen C2931441, MONDO:0011797, OMIM 607225. Disease mechanism: loss of function.

Allele frequency attached by ClinVar (database versions not stated): TOPMed 0.00003.
gnomAD v4.1: 13 of 1,614,062 alleles (0.00081%); highest among the groups gnomAD compares: Middle Eastern, 0.016%; no homozygotes.

Submissions (2):

Ambry Genetics
Classification: Uncertain significance for Inborn genetic diseases. Last evaluated: 2025-05-30. Review status: criteria provided, single submitter. Criteria: Ambry Variant Classification Scheme 2023. Collection method: clinical testing. Allele origin: germline.

Labcorp Genetics (formerly Invitae), Labcorp
Classification: Uncertain significance for Infantile-onset ascending hereditary spastic paralysis. Last evaluated: 2021-08-30. Review status: criteria provided, single submitter. Criteria: Invitae Variant Classification Sherloc (09022015). Collection method: clinical testing. Allele origin: germline.
Comment: This sequence change replaces threonine with methionine at codon 1547 of the ALS2 protein (p.Thr1547Met). The threonine residue is highly conserved and there is a moderate physicochemical difference between threonine and methionine. This variant is not present in population databases (ExAC no frequency). This variant has not been reported in the literature in individuals affected with ALS2-related conditions. Algorithms developed to predict the effect of missense changes on protein structure and function are either unavailable or do not agree on the potential impact of this missense change (SIFT: "Deleterious"; PolyPhen-2: "Possibly Damaging"; Align-GVGD: "Class C0"). In summary, the available evidence is currently insufficient to determine the role of this variant in disease. Therefore, it has been classified as a Variant of Uncertain Significance.